The following is an entry in ClinVar:

NM_006118.4(HAX1):c.544A>G (p.Arg182Gly)

Gene: HAX1 (HCLS1 associated protein X-1; plus strand). Cytogenetic location: 1q21.3.
Variant type: single nucleotide variant.
Coding change: c.544A>G on transcript NM_006118.4 (MANE Select); coding-DNA position 544, A replaced by G.
Protein change: p.Arg182Gly; replaces arginine 182 with glycine.
Molecular consequence: missense variant.
Genome position (GRCh38, 1-based): chr1:154,274,989, A>G. VCF-style: chr1-154274989-A-G. GRCh37 (hg19) VCF-style: chr1-154247465-A-G.
Other names: c.400A>G, p.Arg134Gly (NM_001018837.2); short protein forms R182G, R134G.
Identifiers: ClinVar variation 5022587 (VCV005022587.1).

ClinVar aggregate classification (germline): Uncertain significance (1 of 4 stars; one submission).

Conditions:
Inborn genetic diseases. Identifiers: MedGen C0950123, MeSH D030342.

Submission:

Ambry Genetics
Classification: Uncertain significance for Inborn genetic diseases. Last evaluated: 2026-08-08. Review status: criteria provided, single submitter. Criteria: Ambry Variant Classification Scheme 2023. Collection method: clinical testing. Allele origin: germline.
Comment: The p.R182G variant (also known as c.544A>G), located in coding exon 4 of the HAX1 gene, results from an A to G substitution at nucleotide position 544. The arginine at codon 182 is replaced by glycine, an amino acid with dissimilar properties. This amino acid position is conserved. In addition, the in silico prediction for this alteration is inconclusive. Based on the available evidence, the clinical significance of this variant remains unclear.